The following is an entry in ClinVar:

ClinVar aggregate classification (germline): Uncertain significance (1 of 4 stars; one submission).

gnomAD v4.1: 3 of 1,613,928 alleles (0.00019%); highest among the groups gnomAD compares: Non-Finnish European, 0.00025%; no homozygotes.

Submission:

CeGaT Center for Human Genetics Tuebingen
Classification: Uncertain significance. Last evaluated: 2024-01-01. Review status: criteria provided, single submitter. Criteria: CeGaT Center For Human Genetics Tuebingen Variant Classification Criteria Version 2. Collection method: clinical testing. Allele origin: germline. Affected: yes. Observed: 1 variant allele.
Comment: TET3: PM2, PP2

NM_001287491.2(TET3):c.2912A>C (p.Lys971Thr)

Gene: TET3 (tet methylcytosine dioxygenase 3; plus strand). Cytogenetic location: 2p13.1.
Variant type: single nucleotide variant.
Coding change: c.2912A>C on transcript NM_001287491.2 (MANE Select); coding-DNA position 2912, A replaced by C.
Protein change: p.Lys971Thr; replaces lysine 971 with threonine.
Molecular consequence: missense variant.
Genome position (GRCh38, 1-based): chr2:74,089,920, A>C. VCF-style: chr2-74089920-A-C. GRCh37 (hg19) VCF-style: chr2-74317047-A-C.
Other names: c.2633A>C, p.Lys878Thr (NM_001366022.1); c.2507A>C, p.Lys836Thr (NM_144993.1); short protein forms K836T, K878T, K971T.
Identifiers: ClinVar variation 3025744 (VCV003025744.22), dbSNP rs764395317, ClinGen allele CA347311764.